The following is an entry in ClinVar:

ClinVar aggregate classification (germline): Uncertain significance (1 of 4 stars; one submission).

Conditions:
Leber congenital amaurosis 1 (LCA1). Also called: RETINAL BLINDNESS, CONGENITAL; AMAUROSIS CONGENITA OF LEBER I; Congenital absence of the rods and cones; Leber's congenital tapetoretinal degeneration; Leber's congenital tapetoretinal dysplasia. Identifiers: Orphanet 65, MedGen C2931258, MONDO:0008764, OMIM 204000.
Cone-rod dystrophy 6 (CORD6). Also called: RETINAL CONE DYSTROPHY 2; Cone dystrophy progressive. Identifiers: Orphanet 1872, MedGen C1866293, MONDO:0011143, OMIM 601777.

Submission:

Labcorp Genetics (formerly Invitae), Labcorp
Classification: Uncertain significance for Leber congenital amaurosis 1; Cone-rod dystrophy 6. Last evaluated: 2025-05-05. Review status: criteria provided, single submitter. Criteria: Invitae Variant Classification Sherloc (09022015). Collection method: clinical testing. Allele origin: germline.
Comment: This sequence change replaces arginine, which is basic and polar, with glycine, which is neutral and non-polar, at codon 660 of the GUCY2D protein (p.Arg660Gly). This variant is not present in population databases (gnomAD no frequency). This missense change has been observed in individual(s) with autosomal recessive inherited retinal dystrophy (PMID: 21602930). ClinVar contains an entry for this variant (Variation ID: 1405209). Invitae Evidence Modeling of protein sequence and biophysical properties (such as structural, functional, and spatial information, amino acid conservation, physicochemical variation, residue mobility, and thermodynamic stability) indicates that this missense variant is not expected to disrupt GUCY2D protein function with a negative predictive value of 80%. This variant disrupts the p.Arg660 amino acid residue in GUCY2D. Other variant(s) that disrupt this residue have been observed in individuals with GUCY2D-related conditions (PMID: 34048777), which suggests that this may be a clinically significant amino acid residue. In summary, the available evidence is currently insufficient to determine the role of this variant in disease. Therefore, it has been classified as a Variant of Uncertain Significance.

Literature cited by the submitters: PubMed 21602930; PubMed 34048777.

NM_000180.4(GUCY2D):c.1978C>G (p.Arg660Gly)

Gene: GUCY2D (guanylate cyclase 2D, retinal; plus strand). Cytogenetic location: 17p13.1.
Variant type: single nucleotide variant.
Coding change: c.1978C>G on transcript NM_000180.4 (MANE Select); coding-DNA position 1978, C replaced by G.
Protein change: p.Arg660Gly; replaces arginine 660 with glycine.
Molecular consequence: missense variant.
Genome position (GRCh38, 1-based): chr17:8,012,471, C>G. VCF-style: chr17-8012471-C-G. GRCh37 (hg19) VCF-style: chr17-7915789-C-G.
Other names: short protein forms R660G.
Identifiers: ClinVar variation 1405209 (VCV001405209.8), dbSNP rs61750161, ClinGen allele CA397952110.